The following is an entry in ClinVar:

NM_002087.4(GRN):c.29T>C (p.Leu10Ser)

Gene: GRN (granulin precursor; plus strand). Cytogenetic location: 17q21.31.
Variant type: single nucleotide variant.
Coding change: c.29T>C on transcript NM_002087.4 (MANE Select); coding-DNA position 29, T replaced by C.
Protein change: p.Leu10Ser; replaces leucine 10 with serine.
Molecular consequence: missense variant.
Genome position (GRCh38, 1-based): chr17:44,349,193, T>C. VCF-style: chr17-44349193-T-C. GRCh37 (hg19) VCF-style: chr17-42426561-T-C.
Other names: short protein forms L10S.
Identifiers: ClinVar variation 4531656 (VCV004531656.2).

ClinVar aggregate classification (germline): Likely pathogenic (1 of 4 stars; one submission).

Conditions:
GRN-related frontotemporal lobar degeneration with Tdp43 inclusions (FTD2). Also called: DEMENTIA, HEREDITARY DYSPHASIC DISINHIBITION; FRONTOTEMPORAL LOBAR DEGENERATION WITH UBIQUITIN-POSITIVE INCLUSIONS; FTLD-TDP, GRN-RELATED; GRN Frontotemporal Dementia; FRONTOTEMPORAL DEMENTIA WITH TDP43 INCLUSIONS, GRN-RELATED. Identifiers: Orphanet 100070, Orphanet 282, MedGen C1843792, MONDO:0011842, OMIM 607485. Disease mechanism: loss of function.

Submission:

Victorian Clinical Genetics Services, Murdoch Childrens Research Institute
Classification: Likely pathogenic for GRN-related frontotemporal lobar degeneration with Tdp43 inclusions. Last evaluated: 2026-02-20. Review status: criteria provided, single submitter. Criteria: ACMG Guidelines, 2015. Collection method: clinical testing. Allele origin: germline. Affected: yes.
Comment: This variant is classified as Likely pathogenic. Evidence in support of pathogenic classification: Variant is absent from gnomAD (v2, v3 and v4); This variant has moderate previous evidence of pathogenicity in unrelated individuals. This variant has been identified in a frontotemporal dementia patient cohort (PMID: 23742080), and in a family with nonfluent variant primary progressive aphasia and frontotemporal lobar degeneration with TDP-43 pathology (VCGS internal communication); Variant is located in the well-established functional signal peptide sequence (PMID: 31105517). Additional information: Variant is predicted to result in a missense amino acid change from leucine to serine; This variant is heterozygous; This gene is associated with both recessive and dominant disease (OMIM). - No published functional evidence has been identified for this variant; Another missense variant comparable to the one identified in this case has inconclusive previous evidence for pathogenicity. The p.(Leu10Phe) variant has been reported as a VUS by a clinical laboratory in ClinVar; Missense variant with inconclusive in silico prediction and uninformative conservation; Loss of function is a known mechanism of disease in this gene and is associated with ceroid lipofuscinosis, neuronal, 11 (MIM#614706), primary progressive aphasia (MIM#607485) and frontotemporal dementia 2 (FTD) (MIM#607485); Variants in this gene are known to have variable expressivity. Age of onset and the rate of disease progression can be variable (OMIM; PMID: 20301545); Inheritance information for this variant is not currently available in this individual.

Literature cited by the submitters: PubMed 20301545; PubMed 31105517; PubMed 23742080.